The following is an entry in ClinVar:

NM_173076.3(ABCA12):c.5690+1G>A

Gene: ABCA12 (ATP binding cassette subfamily A member 12; minus strand). Cytogenetic location: 2q35.
Variant type: single nucleotide variant.
Coding change: c.5690+1G>A on transcript NM_173076.3 (MANE Select); the canonical splice donor site of the intron after coding-DNA position 5690, G replaced by A.
Molecular consequence: splice donor variant.
Genome position (GRCh38, 1-based): chr2:214,970,272, C>T on the plus strand (G>A on the coding strand, the complement: ABCA12 is on the minus strand). VCF-style: chr2-214970272-C-T. GRCh37 (hg19) VCF-style: chr2-215834996-C-T.
Other names: c.4736+1G>A (NM_015657.4).
Identifiers: ClinVar variation 2854552 (VCV002854552.3), dbSNP rs2469200858, ClinGen allele CA350453397.
Genomic context (GRCh38, chr2:214,970,272, plus strand): 5'-AGAAGGCAGCTACCATTAAAATTAGCAAGCAATTAAATATGTTATAAACAGATTATTTTA[C>T]CTTTTTTGGACAAACTCATTTGCAGTTGATATAAGATAATTTTCCACTCGTTGCCCAGTG-3'

ClinVar aggregate classification (germline): Likely pathogenic (1 of 4 stars; one submission).

Submission:

Labcorp Genetics (formerly Invitae), Labcorp
Classification: Likely pathogenic. Last evaluated: 2023-04-10. Review status: criteria provided, single submitter. Criteria: Invitae Variant Classification Sherloc (09022015). Collection method: clinical testing. Allele origin: germline.
Comment: In summary, the currently available evidence indicates that the variant is pathogenic, but additional data are needed to prove that conclusively. Therefore, this variant has been classified as Likely Pathogenic. Algorithms developed to predict the effect of sequence changes on RNA splicing suggest that this variant may disrupt the consensus splice site. This variant has not been reported in the literature in individuals affected with ABCA12-related conditions. This variant is not present in population databases (gnomAD no frequency). This sequence change affects a donor splice site in intron 37 of the ABCA12 gene. It is expected to disrupt RNA splicing. Variants that disrupt the donor or acceptor splice site typically lead to a loss of protein function (PMID: 16199547), and loss-of-function variants in ABCA12 are known to be pathogenic (PMID: 20672373).

Literature cited by the submitters: PubMed 16199547; PubMed 20672373.